The following is an entry in ClinVar:

NM_001204.7(BMPR2):c.1277-9A>C

Gene: BMPR2 (bone morphogenetic protein receptor type 2; plus strand). Cytogenetic location: 2q33.2.
Variant type: single nucleotide variant.
Coding change: c.1277-9A>C on transcript NM_001204.7 (MANE Select); 9 bases into the intron before coding-DNA position 1277, A replaced by C.
Molecular consequence: intron variant.
Genome position (GRCh38, 1-based): chr2:202,542,302, A>C. VCF-style: chr2-202542302-A-C. GRCh37 (hg19) VCF-style: chr2-203407025-A-C.
Other names: c.1277-9A>C (LRG_712t1).
Identifiers: ClinVar variation 425916 (VCV000425916.3), dbSNP rs1085307331, ClinGen allele CA645293837.

ClinVar aggregate classification (germline): Uncertain significance. Review status: reviewed by expert panel (3 of 4 stars). 2 submissions from 2 submitters: Uncertain significance (1). 1 of the submissions does not count toward it. Last evaluated 2026-04-10.

Conditions:
Pulmonary arterial hypertension. Identifiers: Orphanet 182090, MedGen C2973725, MeSH D000081029, MONDO:0015924, HP:0002092.
Pulmonary hypertension, primary, 1 (PPH1). Also called: Pulmonary hypertension, familial primary, 1, with or without HHT. Identifiers: Orphanet 422, MedGen C4552070, MONDO:0024533, OMIM 178600.

Submissions (2):

Clingen Pulmonary Hypertension Variant Curation Expert Panel, ClinGen
Classification: Uncertain significance for Pulmonary arterial hypertension. Last evaluated: 2026-04-10. Review status: reviewed by expert panel. Criteria: ClinGen PH ACMG Specifications BMPR2 V2.0.0. Collection method: curation. Allele origin: germline. Inheritance: Autosomal dominant inheritance.
Comment: The BMPR2 c.1277-9A>C variant is a non-canonical splice site (-9) variant located in intron 9. The variant is absent from gnomAD v.2.1.1 and v4.1.0 (PM2_supporting) and was reported in a single proband with PAH (PMID: 19555857). In silico prediction (SpliceAI) indicates no impact on splicing (BP4). However, the variant is located in the same splice region as previously established pathogenic variants, NM_001204.7(BMPR2) c.1277-8A>G and c.1277-9A>G, classified by the PH VCEP (PS1). No familial segregation data were available, and no functional analysis has been reported for this variant. In summary, the variant meets the criteria to be classified as a variant of uncertain significance for pulmonary arterial hypertension based on the ACMG/AMP criteria applied, as specified by the ClinGen Pulmonary Hypertension VCEP: PS1, PM2_supporting, BP4 (VCEP specification version 2.0, 1/30/2026).

Rare Disease Genomics Group, St George's University of London
Classification: Pathogenic for Primary pulmonary hypertension. Review status: no assertion criteria provided. Collection method: literature only. Allele origin: germline. Affected: yes. Not counted in ClinVar's aggregate classification.

Literature cited by the submitters: PubMed 26387786 (cited by Rare Disease Genomics Group, St George's University of London).